The following is an entry in ClinVar:

NM_004984.4(KIF5A):c.2613A>C (p.Arg871Ser)

Gene: KIF5A (kinesin family member 5A; plus strand). Cytogenetic location: 12q13.3.
Variant type: single nucleotide variant.
Coding change: c.2613A>C on transcript NM_004984.4 (MANE Select); coding-DNA position 2613, A replaced by C.
Protein change: p.Arg871Ser; replaces arginine 871 with serine.
Molecular consequence: missense variant.
Genome position (GRCh38, 1-based): chr12:57,581,030, A>C. VCF-style: chr12-57581030-A-C. GRCh37 (hg19) VCF-style: chr12-57974813-A-C.
Other names: c.2346A>C, p.Arg782Ser (NM_001354705.2); short protein forms R782S, R871S.
Identifiers: ClinVar variation 4855086 (VCV004855086.1).

ClinVar aggregate classification (germline): Uncertain significance (1 of 4 stars; one submission).

Conditions:
Hereditary spastic paraplegia 10 (SPG10). Also called: SPASTIC PARAPLEGIA 10 WITH OR WITHOUT PERIPHERAL NEUROPATHY; SPASTIC PARAPLEGIA 10 WITH PERIPHERAL NEUROPATHY; SPASTIC PARAPLEGIA 10, AUTOSOMAL DOMINANT. Identifiers: Orphanet 100991, MedGen C1858712, MONDO:0011408, OMIM 604187.

Submission:

3billion
Classification: Uncertain significance for Hereditary spastic paraplegia 10. Last evaluated: 2025-12-11. Review status: criteria provided, single submitter. Criteria: ACMG Guidelines, 2015. Collection method: clinical testing. Allele origin: germline. Affected: yes.
Comment: The variant is not observed in the gnomAD v4.1.0 dataset. Predicted Consequence/Location: Missense variant In silico tool predictions suggest damaging effect of the variant on gene or gene product [REVEL: 0.68 (>=0.6, sensitivity 0.68 and specificity 0.92)]. Therefore, this variant is classified as VUS according to the recommendation of ACMG/AMP guideline.